The following is an entry in ClinVar:

ClinVar aggregate classification (germline): Pathogenic. Review status: criteria provided, multiple submitters, no conflicts (2 of 4 stars). 2 submissions from 2 submitters: Pathogenic (2). Last evaluated 2025-05-07.

Conditions:
Encephalopathy-hypertrophic cardiomyopathy-renal tubular disease syndrome. Identifiers: Orphanet 319678, MedGen C3553374, MONDO:0013840, OMIM 614654.

Allele frequency attached by ClinVar (database versions not stated): ExAC 0.00002; TOPMed 0.00002; gnomAD 0.00003; gnomAD exomes 0.00004; ESP Exome Variant Server 0.00008.
gnomAD v4.1: 56 of 1,602,306 alleles (0.0035%); highest among the groups gnomAD compares: Non-Finnish European, 0.0047%; no homozygotes.

Submissions (2):

Women's Health and Genetics/Laboratory Corporation of America, LabCorp
Classification: Pathogenic for Encephalopathy-hypertrophic cardiomyopathy-renal tubular disease syndrome. Last evaluated: 2025-05-07. Review status: criteria provided, single submitter. Criteria: LabCorp Variant Classification Summary - May 2015. Collection method: clinical testing. Allele origin: germline.
Comment: Variant summary: COQ9 c.711+3G>C alters a conserved nucleotide located close to a canonical splice site and therefore could affect mRNA splicing, leading to a significantly altered protein sequence. Several computational tools predict a significant impact on normal splicing: Two predict the variant weakens a canonical 5' donor site. One predict the variant weakens a canonical 5' donor site. At least one publication reports experimental evidence that this variant affects mRNA splicing (Smith_2018). The variant allele was found at a frequency of 2e-05 in 244190 control chromosomes. c.711+3G>C has been observed in individual(s) affected with Coenzyme Q10 Deficiency (Smith_2018). These data indicate that the variant is likely to be associated with disease. The following publication has been ascertained in the context of this evaluation (PMID: 29560582). ClinVar contains an entry for this variant (Variation ID: 2910403). Based on the evidence outlined above, the variant was classified as pathogenic.

Labcorp Genetics (formerly Invitae), Labcorp
Classification: Pathogenic. Last evaluated: 2024-07-01. Review status: criteria provided, single submitter. Criteria: Invitae Variant Classification Sherloc (09022015). Collection method: clinical testing. Allele origin: germline.
Comment: This sequence change falls in intron 6 of the COQ9 gene. It does not directly change the encoded amino acid sequence of the COQ9 protein. RNA analysis indicates that this variant induces altered splicing and likely results in a shortened protein product. This variant is present in population databases (rs368777580, gnomAD 0.006%). This variant has been observed in individual(s) with coenzyme Q10 deficiency (PMID: 29560582). In at least one individual the data is consistent with being in trans (on the opposite chromosome) from a pathogenic variant. It has also been observed to segregate with disease in related individuals. Variants that disrupt the consensus splice site are a relatively common cause of aberrant splicing (PMID: 17576681, 9536098). Studies have shown that this variant results in skipping of exon 6, but is expected to preserve the integrity of the reading-frame (PMID: 29560582). For these reasons, this variant has been classified as Pathogenic.

Literature cited by the submitters: PubMed 29560582 (cited by Women's Health and Genetics/Laboratory Corporation of America, LabCorp and Labcorp Genetics (formerly Invitae), Labcorp); PubMed 17576681 (cited by Labcorp Genetics (formerly Invitae), Labcorp); PubMed 9536098 (cited by Labcorp Genetics (formerly Invitae), Labcorp).

NM_020312.4(COQ9):c.711+3G>C

Gene: COQ9 (coenzyme Q9; plus strand). Cytogenetic location: 16q21.
Variant type: single nucleotide variant.
Coding change: c.711+3G>C on transcript NM_020312.4 (MANE Select); 3 bases into the intron after coding-DNA position 711, G replaced by C.
Molecular consequence: intron variant.
Genome position (GRCh38, 1-based): chr16:57,458,353, G>C. VCF-style: chr16-57458353-G-C. GRCh37 (hg19) VCF-style: chr16-57492265-G-C.
Identifiers: ClinVar variation 2910403 (VCV002910403.4), dbSNP rs368777580, ClinGen allele CA8076315.